The following is an entry in ClinVar:

NM_001103.4(ACTN2):c.1723A>C (p.Ile575Leu)

Gene: ACTN2 (actinin alpha 2; plus strand). Cytogenetic location: 1q43.
Variant type: single nucleotide variant.
Coding change: c.1723A>C on transcript NM_001103.4 (MANE Select); coding-DNA position 1723, A replaced by C.
Protein change: p.Ile575Leu; replaces isoleucine 575 with leucine.
Molecular consequence: missense variant.
Genome position (GRCh38, 1-based): chr1:236,751,536, A>C. VCF-style: chr1-236751536-A-C. GRCh37 (hg19) VCF-style: chr1-236914836-A-C.
Other names: p.I575L:ATC>CTC; c.1723A>C, p.Ile575Leu (NM_001278343.2); c.1099A>C, p.Ile367Leu (NM_001278344.2); short protein forms I575L, I367L.
Identifiers: ClinVar variation 201641 (VCV000201641.7), dbSNP rs756815410, ClinGen allele CA335031.

ClinVar aggregate classification (germline): Uncertain significance. Review status: criteria provided, multiple submitters, no conflicts (2 of 4 stars). 3 submissions from 3 submitters: Uncertain significance (3). Last evaluated 2025-11-18.

Conditions:
Cardiovascular phenotype. Identifiers: MedGen CN230736.
Dilated cardiomyopathy 1AA (CMD1AA). Also called: Cardiomyopathy, dilated, 1AA, with or without LVNC; CARDIOMYOPATHY, DILATED, 1AA, WITH OR WITHOUT LEFT VENTRICULAR NONCOMPACTION; CARDIOMYOPATHY, FAMILIAL HYPERTROPHIC, 23, WITH OR WITHOUT LEFT VENTRICULAR NONCOMPACTION. Identifiers: Orphanet 154, MedGen C2677338, MONDO:0012808, OMIM 612158.
Primary familial hypertrophic cardiomyopathy (HCM). Identifiers: Orphanet 99739, MedGen C0949658, MeSH D024741, MONDO:0024573. Inheritance: Various modes of inheritance.

Allele frequency attached by ClinVar (database versions not stated): TOPMed 0.00001.
gnomAD v4.1: 6 of 1,614,022 alleles (0.00037%); highest among the groups gnomAD compares: African/African-American, 0.0013%; no homozygotes.

Submissions (3):

Labcorp Genetics (formerly Invitae), Labcorp
Classification: Uncertain significance for Primary familial hypertrophic cardiomyopathy; Dilated cardiomyopathy 1AA. Last evaluated: 2025-11-18. Review status: criteria provided, single submitter. Criteria: Invitae Variant Classification Sherloc (09022015). Collection method: clinical testing. Allele origin: germline.
Comment: This sequence change replaces isoleucine, which is neutral and non-polar, with leucine, which is neutral and non-polar, at codon 575 of the ACTN2 protein (p.Ile575Leu). This variant is not present in population databases (gnomAD no frequency). This variant has not been reported in the literature in individuals affected with ACTN2-related conditions. ClinVar contains an entry for this variant (Variation ID: 201641). Invitae Evidence Modeling of protein sequence and biophysical properties (such as structural, functional, and spatial information, amino acid conservation, physicochemical variation, residue mobility, and thermodynamic stability) indicates that this missense variant is not expected to disrupt ACTN2 protein function with a negative predictive value of 80%. In summary, the available evidence is currently insufficient to determine the role of this variant in disease. Therefore, it has been classified as a Variant of Uncertain Significance.

GeneDx
Classification: Uncertain significance. Last evaluated: 2025-06-23. Review status: criteria provided, single submitter. Criteria: GeneDx Variant Classification Process June 2021. Collection method: clinical testing. Allele origin: germline. Affected: yes.
Comment: Not observed at significant frequency in large population cohorts (gnomAD); In silico analysis suggests that this missense variant does not alter protein structure/function; Has not been previously published as pathogenic or benign to our knowledge

Ambry Genetics
Classification: Uncertain significance for Cardiovascular phenotype. Last evaluated: 2024-12-13. Review status: criteria provided, single submitter. Criteria: Ambry Variant Classification Scheme 2023. Collection method: clinical testing. Allele origin: germline.
Comment: The p.I575L variant (also known as c.1723A>C), located in coding exon 15 of the ACTN2 gene, results from an A to C substitution at nucleotide position 1723. The isoleucine at codon 575 is replaced by leucine, an amino acid with highly similar properties. This amino acid position is highly conserved in available vertebrate species. In addition, this alteration is predicted to be tolerated by in silico analysis. Based on the available evidence, the clinical significance of this variant remains unclear.